The following is an entry in ClinVar:

NM_001267550.2(TTN):c.82404G>T (p.Lys27468Asn)

Genes: TTN (titin; minus strand), TTN-AS1 (TTN antisense RNA 1; plus strand). Cytogenetic location: 2q31.2.
Variant type: single nucleotide variant.
Coding change: c.82404G>T on transcript NM_001267550.2 (MANE Select); coding-DNA position 82404, G replaced by T.
Protein change: p.Lys27468Asn; replaces lysine 27468 with asparagine.
Molecular consequence: missense variant.
Genome position (GRCh38, 1-based): chr2:178,563,728, C>A on the plus strand (G>T on the coding strand, the complement: TTN is on the minus strand). VCF-style: chr2-178563728-C-A. GRCh37 (hg19) VCF-style: chr2-179428455-C-A.
Other names: c.77481G>T, p.Lys25827Asn (NM_001256850.1); c.55209G>T, p.Lys18403Asn (NM_003319.4); c.74700G>T, p.Lys24900Asn (NM_133378.4); c.55584G>T, p.Lys18528Asn (NM_133432.3); c.55785G>T, p.Lys18595Asn (NM_133437.4); short protein forms K27468N, K18403N, K25827N, K18528N, K18595N, K24900N.
Identifiers: ClinVar variation 1748081 (VCV001748081.5), dbSNP rs370365162, ClinGen allele CA1989077.

ClinVar aggregate classification (germline): Uncertain significance. Review status: criteria provided, multiple submitters, no conflicts (2 of 4 stars). 2 submissions from 2 submitters: Uncertain significance (2). Last evaluated 2020-10-08.

Conditions:
Cardiovascular phenotype. Identifiers: MedGen CN230736.

Allele frequency attached by ClinVar (database versions not stated): ExAC 0.00001; gnomAD 0.00001; TOPMed 0.00002; ESP Exome Variant Server 0.00008.
gnomAD v4.1: 3 of 1,613,578 alleles (0.00019%); highest among the groups gnomAD compares: African/African-American, 0.0027%; no homozygotes.

Submissions (2):

Revvity Omics, Revvity
Classification: Uncertain significance. Last evaluated: 2020-10-08. Review status: criteria provided, single submitter. Criteria: ACMG Guidelines, 2015. Collection method: clinical testing. Allele origin: germline.

Ambry Genetics
Classification: Uncertain significance for Cardiovascular phenotype. Last evaluated: 2019-11-20. Review status: criteria provided, single submitter. Criteria: Ambry Variant Classification Scheme 2023. Collection method: clinical testing. Allele origin: germline.
Comment: The p.K18403N variant (also known as c.55209G>T), located in coding exon 153 of the TTN gene, results from a G to T substitution at nucleotide position 55209. The lysine at codon 18403 is replaced by asparagine, an amino acid with similar properties. This amino acid position is not well conserved in available vertebrate species. In addition, this alteration is predicted to be tolerated by in silico analysis. Since supporting evidence is limited at this time, the clinical significance of this alteration remains unclear.